The following is an entry in ClinVar:

NM_000282.4(PCCA):c.1999C>T (p.Pro667Ser)

Gene: PCCA (propionyl-CoA carboxylase subunit alpha; plus strand). Cytogenetic location: 13q32.3.
Variant type: single nucleotide variant.
Coding change: c.1999C>T on transcript NM_000282.4 (MANE Select); coding-DNA position 1999, C replaced by T.
Protein change: p.Pro667Ser; replaces proline 667 with serine.
Molecular consequence: missense variant. On other transcripts: non-coding transcript variant (4), intron variant (2).
Genome position (GRCh38, 1-based): chr13:100,515,526, C>T. VCF-style: chr13-100515526-C-T. GRCh37 (hg19) VCF-style: chr13-101167780-C-T.
Other names: c.1921C>T, p.Pro641Ser (NM_001127692.3); c.1945C>T, p.Pro649Ser (NM_001352605.2); c.1855C>T, p.Pro619Ser (NM_001352606.2); c.1777C>T, p.Pro593Ser (NM_001352608.2); c.1054C>T, p.Pro352Ser (NM_001352610.2); c.1000C>T, p.Pro334Ser (NM_001352611.2); c.910C>T, p.Pro304Ser (NM_001352612.2); c.1900-12149C>T (NM_001178004.2); and 1 more; short protein forms P352S, P667S, P593S, P641S, P334S, P619S, P304S, P649S.
Identifiers: ClinVar variation 5003490 (VCV005003490.1).

ClinVar aggregate classification (germline): Uncertain significance (1 of 4 stars; one submission).

Conditions:
Propionic acidemia (PROP). Also called: GLYCINEMIA, KETOTIC; HYPERGLYCINEMIA WITH KETOACIDOSIS AND LEUKOPENIA; KETOTIC HYPERGLYCINEMIA. Identifiers: Orphanet 35, MedGen C0268579, MONDO:0011628, OMIM 606054, HP:0003571.

Submission:

Myriad Genetics, Inc.
Classification: Uncertain significance for Propionic acidemia. Last evaluated: 2025-09-18. Review status: criteria provided, single submitter. Criteria: Myriad Autosomal Dominant, Autosomal Recessive and X-Linked Classification Criteria (2023). Collection method: clinical testing. Allele origin: unknown.
Comment: NM_000282.3(PCCA):c.1999C>T(P667S) is a missense variant classified as a variant of uncertain significance in the context of PCCA-related propionic acidemia. P667S has been observed in a case with relevant disease (PMID: 27900673). Relevant functional assessments of this variant are not available in the literature. P667S has not been observed in referenced population frequency databases. In summary, there is insufficient evidence to classify NM_000282.3(PCCA):c.1999C>T(P667S) as pathogenic or benign. Please note: this variant was assessed in the context of healthy population screening.

Literature cited by the submitters: PubMed 27900673.